The following is an entry in ClinVar:

NM_013391.3(DMGDH):c.746-11T>C

Gene: DMGDH (dimethylglycine dehydrogenase; minus strand). Cytogenetic location: 5q14.1.
Variant type: single nucleotide variant.
Coding change: c.746-11T>C on transcript NM_013391.3 (MANE Select); 11 bases into the intron before coding-DNA position 746, T replaced by C.
Molecular consequence: intron variant.
Genome position (GRCh38, 1-based): chr5:79,044,563, A>G on the plus strand (T>C on the coding strand, the complement: DMGDH is on the minus strand). VCF-style: chr5-79044563-A-G. GRCh37 (hg19) VCF-style: chr5-78340386-A-G.
Identifiers: ClinVar variation 382993 (VCV000382993.1), dbSNP rs111803146, ClinGen allele CA3318897.

ClinVar aggregate classification (germline): Likely benign (1 of 4 stars; one submission).

Allele frequency attached by ClinVar (database versions not stated): gnomAD exomes 0.00031 and 0.00069; ExAC 0.00079; gnomAD 0.00213 and 0.00224; TOPMed 0.00229; ESP Exome Variant Server 0.00269; 1000 Genomes Project 0.00399; 1000 Genomes Project 30x 0.00406.
gnomAD v4.1: 814 of 1,613,656 alleles (0.05%); highest among the groups gnomAD compares: African/African-American, 0.73%; 2 homozygotes.

Submission:

GeneDx
Classification: Likely benign. Last evaluated: 2017-10-05. Review status: criteria provided, single submitter. Criteria: GeneDx Variant Classification (06012015). Collection method: clinical testing. Allele origin: germline. Affected: yes.
Comment: This variant is considered likely benign or benign based on one or more of the following criteria: it is a conservative change, it occurs at a poorly conserved position in the protein, it is predicted to be benign by multiple in silico algorithms, and/or has population frequency not consistent with disease.